The following is an entry in ClinVar:

ClinVar aggregate classification (germline): Uncertain significance (1 of 4 stars; one submission).

Conditions:
Epilepsy. Also called: Seizure disorder. Identifiers: MedGen C0014544, MeSH D004827, MONDO:0005027.

Submission:

Labcorp Genetics (formerly Invitae), Labcorp
Classification: Uncertain significance for Epilepsy. Last evaluated: 2022-04-19. Review status: criteria provided, single submitter. Criteria: Invitae Variant Classification Sherloc (09022015). Collection method: clinical testing. Allele origin: germline.
Comment: This variant, c.389_391del, results in the deletion of 1 amino acid(s) of the PIGQ protein (p.Phe130del), but otherwise preserves the integrity of the reading frame. This variant is present in population databases (no rsID available, gnomAD 0.002%). This variant has not been reported in the literature in individuals affected with PIGQ-related conditions. Experimental studies and prediction algorithms are not available or were not evaluated, and the functional significance of this variant is currently unknown. In summary, the available evidence is currently insufficient to determine the role of this variant in disease. Therefore, it has been classified as a Variant of Uncertain Significance.

NM_004204.5(PIGQ):c.386TCT[1] (p.Phe130del)

Gene: PIGQ (phosphatidylinositol glycan anchor biosynthesis class Q; plus strand). Cytogenetic location: 16p13.3.
Variant type: Microsatellite.
Coding change: c.386TCT[1] on transcript NM_004204.5 (MANE Select); one copy of the 3-base unit TCT starting at c.386; the reference has two copies in a row; one copy, 3 bases deleted.
Protein change: p.Phe130del; deletes phenylalanine 130.
Molecular consequence: inframe deletion.
Genome position (GRCh38, 1-based): chr16:574,463-574,465, TCT deleted; deleting any 3 consecutive bases within chr16:574,460-574,465 gives the same sequence; the position shown is the placement nearest the transcript's 3' end. VCF-style (leftmost placement, unchanged base first): chr16-574459-ATCT-A. GRCh37 (hg19) VCF-style: chr16-624459-ATCT-A.
Other names: c.386TCT[1], p.Phe130del (NM_148920.4); short protein forms F130del.
Identifiers: ClinVar variation 1980589 (VCV001980589.2), dbSNP rs1247742420, ClinGen allele CA620306706.